The following is an entry in ClinVar:

NM_000078.3(CETP):c.861C>T (p.Phe287=)

Gene: CETP (cholesteryl ester transfer protein; plus strand). Cytogenetic location: 16q13.
Variant type: single nucleotide variant.
Coding change: c.861C>T on transcript NM_000078.3 (MANE Select); coding-DNA position 861, C replaced by T.
Protein change: p.Phe287=; no amino-acid change (phenylalanine 287 retained).
Molecular consequence: synonymous variant. On other transcripts: intron variant (1).
Genome position (GRCh38, 1-based): chr16:56,973,441, C>T. VCF-style: chr16-56973441-C-T. GRCh37 (hg19) VCF-style: chr16-57007353-C-T.
Other names: p.Phe287=; c.750+1358C>T (NM_001286085.2).
Identifiers: ClinVar variation 319984 (VCV000319984.17), dbSNP rs5883, ClinGen allele CA8071125.
Genomic context (GRCh38, chr16:56,973,441, plus strand): 5'-CTCGCCCACACTGCTGGGGGACTCCCGCATGCTGTACTTCTGGTTCTCTGAGCGAGTCTT[C>T]CACTCGCTGGCCAAGGTAGCTTTCCAGGATGGCCGCCTCATGCTCAGCCTGATGGGAGAC-3'
Protein context (NP_000069.2, residues 277-297): MLYFWFSERV[Phe287=]HSLAKVAFQD

ClinVar aggregate classification (germline): Benign. Review status: criteria provided, multiple submitters, no conflicts (2 of 4 stars). 6 submissions from 6 submitters: Benign (6). Last evaluated 2026-02-04.

Conditions:
Hyperalphalipoproteinemia 1 (HALP1). Also called: CETP-Related Hyperalphalipoproteinemia; CETP DEFICIENCY. Identifiers: MedGen C3149462, OMIM 143470.

Allele frequency attached by ClinVar (database versions not stated): gnomAD exomes 0.05129 and 0.05242; ExAC 0.05355; 1000 Genomes Project 0.05471; 1000 Genomes Project 30x 0.05731; gnomAD 0.06472 and 0.06709; TOPMed 0.06804; ESP Exome Variant Server 0.07672.
gnomAD v4.1: 86,571 of 1,614,184 alleles (5.4%); highest among the groups gnomAD compares: African/African-American, 11%; 2,687 homozygotes.

Submissions (6):

Labcorp Genetics (formerly Invitae), Labcorp
Classification: Benign. Last evaluated: 2026-02-04. Review status: criteria provided, single submitter. Criteria: Invitae Variant Classification Sherloc (09022015). Collection method: clinical testing. Allele origin: germline.

Molecular Diagnostic Laboratory for Inherited Cardiovascular Disease, Montreal Heart Institute
Classification: Benign. Last evaluated: 2025-04-09. Review status: criteria provided, single submitter. Criteria: ACMG Guidelines, 2015. Collection method: clinical testing. Allele origin: germline. Affected: no.
Comment: BA1

Mayo Clinic Laboratories, Mayo Clinic
Classification: Benign. Last evaluated: 2023-03-31. Review status: criteria provided, single submitter. Criteria: ACMG Guidelines, 2015. Collection method: clinical testing. Allele origin: germline. Observed: 57 variant alleles.
Comment: BA1, BP4, BP7

GeneDx
Classification: Benign. Last evaluated: 2018-09-17. Review status: criteria provided, single submitter. Criteria: GeneDx Variant Classification Process June 2021. Collection method: clinical testing. Allele origin: germline. Affected: yes.
Comment: This variant is associated with the following publications: (PMID: 28008009, 22403620, 24393849)

Illumina Laboratory Services, Illumina
Classification: Benign for Hyperalphalipoproteinemia 1. Last evaluated: 2018-01-13. Review status: criteria provided, single submitter. Criteria: ICSL Variant Classification Criteria 13 December 2019. Collection method: clinical testing. Allele origin: germline.
Comment: This variant was observed in the ICSL laboratory as part of a predisposition screen in an ostensibly healthy population. It had not been previously curated by ICSL or reported in the Human Gene Mutation Database (HGMD: prior to June 1st, 2018), and was therefore a candidate for classification through an automated scoring system. Utilizing variant allele frequency, disease prevalence and penetrance estimates, and inheritance mode, an automated score was calculated to assess if this variant is too frequent to cause the disease. Based on the score and internal cut-off values, a variant classified as benign is not then subjected to further curation. The score for this variant resulted in a classification of benign for this disease.

Breakthrough Genomics
Classification: Benign. Review status: criteria provided, single submitter. Criteria: ACMG Guidelines, 2015. Collection method: not provided. Allele origin: germline. Inheritance: Autosomal dominant inheritance. Affected: yes.

Literature cited by the submitters: PubMed 22403620 (cited by Mayo Clinic Laboratories, Mayo Clinic); PubMed 24393849 (cited by Mayo Clinic Laboratories, Mayo Clinic); PubMed 28008009 (cited by Mayo Clinic Laboratories, Mayo Clinic).